The following is an entry in ClinVar:

NM_021831.6(AGBL5):c.1264C>A (p.Pro422Thr)

Gene: AGBL5 (AGBL carboxypeptidase 5; plus strand). Cytogenetic location: 2p23.3.
Variant type: single nucleotide variant.
Coding change: c.1264C>A on transcript NM_021831.6 (MANE Select); coding-DNA position 1264, C replaced by A.
Protein change: p.Pro422Thr; replaces proline 422 with threonine.
Molecular consequence: missense variant. On other transcripts: non-coding transcript variant (2).
Genome position (GRCh38, 1-based): chr2:27,056,037, C>A. VCF-style: chr2-27056037-C-A. GRCh37 (hg19) VCF-style: chr2-27278905-C-A.
Other names: c.1264C>A, p.Pro422Thr (NM_001035507.3); short protein forms P422T.
Identifiers: ClinVar variation 939524 (VCV000939524.9), dbSNP rs187389989, ClinGen allele CA1567824.
Genomic context (GRCh38, chr2:27,056,037, plus strand): 5'-GTGTGGATTATGCCACAACAGTCTGCGGGGCTTGAAGAGTCAGCCCCTGATACCATCCCC[C>A]CCAAAGAGAGTGGCGTTGCTTACTATGTGGACCTGCATGGACATGCTTCCAAAAGGGGCT-3'
Protein context (NP_068603.4, residues 412-432): LEESAPDTIP[Pro422Thr]KESGVAYYVD

ClinVar aggregate classification (germline): Uncertain significance. Review status: criteria provided, multiple submitters, no conflicts (2 of 4 stars). 2 submissions from 2 submitters: Uncertain significance (2). Last evaluated 2025-08-24.

Conditions:
Inborn genetic diseases. Identifiers: MedGen C0950123, MeSH D030342.

Allele frequency attached by ClinVar (database versions not stated): TOPMed 0.00001; 1000 Genomes Project 30x 0.00016; 1000 Genomes Project 0.00020.
gnomAD v4.1: 30 of 1,614,214 alleles (0.0019%); highest among the groups gnomAD compares: African/African-American, 0.0027%; no homozygotes.

Submissions (2):

Ambry Genetics
Classification: Uncertain significance for Inborn genetic diseases. Last evaluated: 2025-08-24. Review status: criteria provided, single submitter. Criteria: Ambry Variant Classification Scheme 2023. Collection method: clinical testing. Allele origin: germline.

Labcorp Genetics (formerly Invitae), Labcorp
Classification: Uncertain significance. Last evaluated: 2023-10-03. Review status: criteria provided, single submitter. Criteria: Invitae Variant Classification Sherloc (09022015). Collection method: clinical testing. Allele origin: germline.
Comment: This sequence change replaces proline, which is neutral and non-polar, with threonine, which is neutral and polar, at codon 422 of the AGBL5 protein (p.Pro422Thr). This variant is present in population databases (rs187389989, gnomAD 0.007%). This variant has not been reported in the literature in individuals affected with AGBL5-related conditions. ClinVar contains an entry for this variant (Variation ID: 939524). An algorithm developed to predict the effect of missense changes on protein structure and function (PolyPhen-2) suggests that this variant is likely to be disruptive. In summary, the available evidence is currently insufficient to determine the role of this variant in disease. Therefore, it has been classified as a Variant of Uncertain Significance.